The following is an entry in ClinVar:

NM_001142864.4(PIEZO1):c.5778G>A (p.Arg1926=)

Gene: PIEZO1 (piezo type mechanosensitive ion channel component 1 (Er blood group); minus strand). Cytogenetic location: 16q24.3.
Variant type: single nucleotide variant.
Coding change: c.5778G>A on transcript NM_001142864.4 (MANE Select); coding-DNA position 5778, G replaced by A.
Protein change: p.Arg1926=; no amino-acid change (arginine 1926 retained).
Molecular consequence: synonymous variant.
Genome position (GRCh38, 1-based): chr16:88,720,639, C>T on the plus strand (G>A on the coding strand, the complement: PIEZO1 is on the minus strand). VCF-style: chr16-88720639-C-T. GRCh37 (hg19) VCF-style: chr16-88787047-C-T.
Other names: c.5778G>A (NM_001142864.3); c.4320G>A, p.Arg1440= (NM_014745.1).
Identifiers: ClinVar variation 2428669 (VCV002428669.8), dbSNP rs369024245, ClinGen allele CA8231785.

ClinVar aggregate classification (germline): Benign/Likely benign. Review status: criteria provided, multiple submitters, no conflicts (2 of 4 stars). 4 submissions from 4 submitters: Benign (1); Likely benign (2). 1 of the submissions does not count toward it. Last evaluated 2025-08-12.

Conditions:
PIEZO1-related disorder. Also called: PIEZO1-related condition; PIEZO1-Related Disorders.

Allele frequency attached by ClinVar (database versions not stated): TOPMed 0.00011; gnomAD 0.00012; gnomAD exomes 0.00018; ExAC 0.00023; ESP Exome Variant Server 0.00088.
gnomAD v4.1: 261 of 1,546,708 alleles (0.017%); highest among the groups gnomAD compares: Non-Finnish European, 0.021%; 1 homozygote.

Submissions (4):

Labcorp Genetics (formerly Invitae), Labcorp
Classification: Benign. Last evaluated: 2025-08-12. Review status: criteria provided, single submitter. Criteria: Invitae Variant Classification Sherloc (09022015). Collection method: clinical testing. Allele origin: germline.

Blueprint Genetics
Classification: Likely benign. Last evaluated: 2024-04-08. Review status: criteria provided, single submitter. Criteria: ACMG Guidelines, 2015. Collection method: clinical testing. Allele origin: germline.

ARUP Laboratories, Molecular Genetics and Genomics, ARUP Laboratories
Classification: Likely benign. Last evaluated: 2022-04-07. Review status: criteria provided, single submitter. Criteria: ARUP Molecular Germline Variant Investigation Process 2021. Collection method: clinical testing. Allele origin: germline.

PreventionGenetics, part of Exact Sciences
Classification: Likely benign for PIEZO1-related condition. Last evaluated: 2024-05-31. Review status: no assertion criteria provided. Collection method: clinical testing. Allele origin: germline. Not counted in ClinVar's aggregate classification.
Comment: This variant is classified as likely benign based on ACMG/AMP sequence variant interpretation guidelines (Richards et al. 2015 PMID: 25741868, with internal and published modifications).